The following is an entry in ClinVar:

NM_012452.3(TNFRSF13B):c.512T>G (p.Leu171Arg)

Gene: TNFRSF13B (TNF receptor superfamily member 13B; minus strand). Cytogenetic location: 17p11.2.
Variant type: single nucleotide variant.
Coding change: c.512T>G on transcript NM_012452.3 (MANE Select); coding-DNA position 512, T replaced by G.
Protein change: p.Leu171Arg; replaces leucine 171 with arginine.
Molecular consequence: missense variant.
Genome position (GRCh38, 1-based): chr17:16,940,445, A>C on the plus strand (T>G on the coding strand, the complement: TNFRSF13B is on the minus strand). VCF-style: chr17-16940445-A-C. GRCh37 (hg19) VCF-style: chr17-16843759-A-C.
Other names: short protein forms L171R.
Identifiers: ClinVar variation 440340 (VCV000440340.73), dbSNP rs143027621, ClinGen allele CA8413968.

ClinVar aggregate classification (germline): Conflicting classifications of pathogenicity. Review status: criteria provided, conflicting classifications (1 of 4 stars). 9 submissions from 9 submitters: Pathogenic (1); Likely pathogenic (4); Uncertain significance (4). Last evaluated 2026-08-03.

Conditions:
Immunodeficiency, common variable, 2 (CVID2). Also called: ANTIBODY DEFICIENCY DUE TO TACI DEFECT; HYPOGAMMAGLOBULINEMIA DUE TO TACI DEFICIENCY. Identifiers: Orphanet 1572, MedGen C3150354, MONDO:0009413, OMIM 240500.
TNFRSF13B-related disorder. Also called: TNFRSF13B-related condition.

Allele frequency attached by ClinVar (database versions not stated): ExAC 0.00010; gnomAD exomes 0.00010 and 0.00018; gnomAD 0.00012 and 0.00014; ESP Exome Variant Server 0.00015; TOPMed 0.00015; 1000 Genomes Project 0.00020; 1000 Genomes Project 30x 0.00031.
gnomAD v4.1: 278 of 1,614,020 alleles (0.017%); highest among the groups gnomAD compares: Non-Finnish European, 0.022%; no homozygotes.

Submissions (9):

PreventionGenetics, part of Exact Sciences
Classification: Uncertain significance for TNFRSF13B-related condition. Last evaluated: 2026-08-03. Review status: criteria provided, single submitter. Criteria: ACMG Guidelines, 2015. Collection method: clinical testing. Allele origin: germline.
Comment: The TNFRSF13B c.512T>G variant is predicted to result in the amino acid substitution p.Leu171Arg. This variant has been reported in the homozygous state or with a second TNFRSF13B variant in individuals with common variable Immunodeficiency (see, for example: Zhang et al. 2007. PubMed ID: 17983875; Martínez-Pomar et al. 2009. PubMed ID: 19779048; Guevara-Hoyer et al. 2020. PubMed ID: 32344018). It has also been described in the heterozygous state in individuals with common variable Immunodeficiency (see, for example: Castigli et al. 2007. PubMed ID: 17392798; Table S14, Vorsteveld et al. 2024. PubMed ID: 39369972; Abolhassani et al. 2025. PubMed ID: 40959164); however, it has also been observed in the heterozygous state in family members with autoimmunity (Barroeta Seijas et al. 2012. PubMed ID: 22697072; Martinez-Gallo et al. 2013. PubMed ID: 23237420; Kermode et al. 2022. PubMed ID: 35570134). In vitro experimental studies and studies in cells from affected individuals and their family members suggest this variant impacts the expression and function of the TNFRSF13B protein (Fried et al. 2011. PubMed ID: 21419480; Martinez-Gallo et al. 2013. PubMed ID: 23237420). This variant is reported in 0.019% of alleles in individuals of European (non-Finnish) descent in gnomAD. Although we suspect that this variant may be pathogenic, at this time, the clinical significance of this variant is uncertain due to the absence of conclusive functional and genetic evidence.

Labcorp Genetics (formerly Invitae), Labcorp
Classification: Uncertain significance for Immunodeficiency, common variable, 2. Last evaluated: 2026-01-01. Review status: criteria provided, single submitter. Criteria: Invitae Variant Classification Sherloc (09022015). Collection method: clinical testing. Allele origin: germline.
Comment: This sequence change replaces leucine, which is neutral and non-polar, with arginine, which is basic and polar, at codon 171 of the TNFRSF13B protein (p.Leu171Arg). This variant is present in population databases (rs143027621, gnomAD 0.02%). This variant has been reported as homozygous, compound heterozygous, and heterozygous in individuals and families affected with common variable immunodeficiency (PMID: 17983875, 17392798, 19779048, 22697072, 23237420, 32581362, 31530980, 35570134). It has also been observed as heterozygous in asymptomatic individuals from these same families (PMID: 23237420, 22697072). ClinVar contains an entry for this variant (Variation ID: 440340). Invitae Evidence Modeling of protein sequence and biophysical properties (such as structural, functional, and spatial information, amino acid conservation, physicochemical variation, residue mobility, and thermodynamic stability) has been performed for this missense variant. However, the output from this modeling did not meet the statistical confidence thresholds required to predict the impact of this variant on TNFRSF13B protein function. Experimental studies have shown that this missense change affects TNFRSF13B function (PMID: 21419480). In summary, the available evidence is currently insufficient to determine the role of this variant in disease. Therefore, it has been classified as a Variant of Uncertain Significance.

Variantyx, Inc.
Classification: Likely pathogenic for Immunodeficiency, common variable, 2. Last evaluated: 2025-03-19. Review status: criteria provided, single submitter. Criteria: Variantyx Assertion Criteria 2022. Collection method: clinical testing. Allele origin: germline.
Comment: This is a nonsynonymous variant in the TNFRSF13B gene (OMIM: 604907). Pathogenic variants in this gene have been associated with autosomal recessive common variable immunodeficiency 2. This variant has been reported in the homozygous or compound heterozygous state in at least 2 unrelated affected individuals (PMID: 23237420, 17983875, 19779048) (PM3). Functional studies have shown that this variant alters TNFRSF13B protein function (PMID: 21419480) (PS3). Multiple computational algorithms predict a deleterious effect for this variant (REVEL score: 0.819) (PP3_Moderate). This variant has a 0.0223% maximum allele frequency in non-founder control populations (PM2_Supporting). Based on the current evidence, this variant is classified as likely pathogenic for autosomal recessive common variable immunodeficiency 2.

Blueprint Genetics
Classification: Likely pathogenic for TNFRSF13B-related disorders. Last evaluated: 2024-11-04. Review status: criteria provided, single submitter. Criteria: ACMG Guidelines, 2015. Collection method: clinical testing. Allele origin: germline. Affected: yes. Observed: 5 variant alleles.

GeneDx
Classification: Uncertain significance. Last evaluated: 2024-03-07. Review status: criteria provided, single submitter. Criteria: GeneDx Variant Classification Process June 2021. Collection method: clinical testing. Allele origin: germline. Affected: yes.
Comment: Published functional studies demonstrate unstable protein with negligible ligand binding (PMID: 21419480); In silico analysis supports that this missense variant has a deleterious effect on protein structure/function; This variant is associated with the following publications: (PMID: 17983875, 37711607, 35570134, 34247095, 32344018, 19779048, 23237420, 17392798, 31530980, 32581362, 21419480, 22697072)

Laboratorio de Genetica e Diagnostico Molecular, Hospital Israelita Albert Einstein
Classification: Likely pathogenic for Immunodeficiency, common variable, 2. Last evaluated: 2022-09-09. Review status: criteria provided, single submitter. Criteria: ACMG Guidelines, 2015. Collection method: clinical testing. Allele origin: germline. Affected: yes. Observed: 1 variant allele.
Comment: ACMG classification criteria: PS3 supporting, PM3 strong, PP3 supporting

Mayo Clinic Laboratories, Mayo Clinic
Classification: Likely pathogenic. Last evaluated: 2021-03-30. Review status: criteria provided, single submitter. Criteria: ACMG Guidelines, 2015. Collection method: clinical testing. Allele origin: germline.
Comment: PS3, PP3

CeGaT Center for Human Genetics Tuebingen
Classification: Uncertain significance. Last evaluated: 2018-06-01. Review status: criteria provided, single submitter. Criteria: CeGaT Center For Human Genetics Tuebingen Variant Classification Criteria Version 2. Collection method: clinical testing. Allele origin: germline. Affected: yes. Observed: 1 variant allele.

ARUP Laboratories, Molecular Genetics and Genomics, ARUP Laboratories
Classification: Pathogenic. Last evaluated: 2017-01-03. Review status: criteria provided, single submitter. Criteria: ARUP Molecular Germline Variant Investigation Process. Collection method: clinical testing. Allele origin: germline.

Literature cited by the submitters: PubMed 17983875 (cited by Labcorp Genetics (formerly Invitae), Labcorp and Mayo Clinic Laboratories, Mayo Clinic); PubMed 17392798 (cited by Labcorp Genetics (formerly Invitae), Labcorp and Mayo Clinic Laboratories, Mayo Clinic); PubMed 19779048 (cited by Labcorp Genetics (formerly Invitae), Labcorp and Mayo Clinic Laboratories, Mayo Clinic); PubMed 22697072 (cited by Labcorp Genetics (formerly Invitae), Labcorp and Mayo Clinic Laboratories, Mayo Clinic); PubMed 23237420 (cited by Labcorp Genetics (formerly Invitae), Labcorp and Mayo Clinic Laboratories, Mayo Clinic); PubMed 32581362 (cited by Labcorp Genetics (formerly Invitae), Labcorp); PubMed 31530980 (cited by Labcorp Genetics (formerly Invitae), Labcorp and Mayo Clinic Laboratories, Mayo Clinic); PubMed 35570134 (cited by Labcorp Genetics (formerly Invitae), Labcorp); PubMed 21419480 (cited by Labcorp Genetics (formerly Invitae), Labcorp and Mayo Clinic Laboratories, Mayo Clinic).